The following is an entry in ClinVar:

ClinVar aggregate classification (germline): other (0 of 4 stars; one submission).

Conditions:
Familial colorectal cancer. Identifiers: MedGen CN280943, MONDO:0023113. Disease mechanism: loss of function.

Submission:

Systems Biology Platform Zhejiang California International NanoSystems Institute
Classification: other for Familial colorectal cancer. Review status: no assertion criteria provided. Collection method: not provided. Allele origin: unknown.
ClinVar note: Converted during submission from cancer to other.

NM_000038.6(APC):c.1743+1062A>C

Gene: APC (APC regulator of WNT signaling pathway; plus strand). Cytogenetic location: 5q22.2.
Variant type: single nucleotide variant.
Coding change: c.1743+1062A>C on transcript NM_000038.6 (MANE Select); 1062 bases into the intron after coding-DNA position 1743, A replaced by C.
Molecular consequence: intron variant.
Genome position (GRCh38, 1-based): chr5:112,830,034, A>C. VCF-style: chr5-112830034-A-C. GRCh37 (hg19) VCF-style: chr5-112165731-A-C.
Other names: c.1743+1062A>C (NM_001354895.2, NM_001127510.3); c.1773+1062A>C (NM_001354897.2); c.1470+1062A>C (NM_001354902.2); c.1689+1062A>C (NM_001127511.3); c.1668+1062A>C (NM_001354898.2); c.1365+1062A>C (NM_001354904.2); c.894+1062A>C (NM_001354906.2); c.1797+1062A>C (NM_001354896.2); and 5 more.
Identifiers: ClinVar variation 82591 (VCV000082591.2), dbSNP rs75279428, ClinGen allele CA005490.